The following is an entry in ClinVar:

NM_019098.5(CNGB3):c.2124A>G (p.Gly708=)

Gene: CNGB3 (cyclic nucleotide gated channel subunit beta 3; minus strand). Cytogenetic location: 8q21.3.
Variant type: single nucleotide variant.
Coding change: c.2124A>G on transcript NM_019098.5 (MANE Select); coding-DNA position 2124, A replaced by G.
Protein change: p.Gly708=; no amino-acid change (glycine 708 retained).
Molecular consequence: synonymous variant.
Genome position (GRCh38, 1-based): chr8:86,576,110, T>C on the plus strand (A>G on the coding strand, the complement: CNGB3 is on the minus strand). VCF-style: chr8-86576110-T-C. GRCh37 (hg19) VCF-style: chr8-87588338-T-C.
Other names: c.2124A>G (NM_019098.4).
Identifiers: ClinVar variation 1080985 (VCV001080985.12), dbSNP rs769689524, ClinGen allele CA4799786.

ClinVar aggregate classification (germline): Likely benign. Review status: criteria provided, multiple submitters, no conflicts (2 of 4 stars). 4 submissions from 4 submitters: Likely benign (3). 1 of the submissions does not count toward it. Last evaluated 2026-07-23.

Conditions:
CNGB3-related disorder. Also called: CNGB3-related disorders; CNGB3-related condition. Identifiers: MedGen CN239340.
Achromatopsia. Also called: Rod monochromatism. Identifiers: Orphanet 49382, MedGen C0152200, MONDO:0018852, HP:0011516.

Allele frequency attached by ClinVar (database versions not stated): TOPMed below 0.00001; ExAC 0.00001.
gnomAD v4.1: 87 of 1,604,462 alleles (0.0054%); highest among the groups gnomAD compares: Non-Finnish European, 0.0072%; no homozygotes.

Submissions (4):

PreventionGenetics, part of Exact Sciences
Classification: Likely benign for CNGB3-related condition. Last evaluated: 2026-07-23. Review status: criteria provided, single submitter. Criteria: ACMG Guidelines, 2015. Collection method: clinical testing. Allele origin: germline.
Comment: This variant is classified as likely benign based on ACMG/AMP sequence variant interpretation guidelines (Richards et al. 2015 PMID: 25741868, with internal and published modifications).

Labcorp Genetics (formerly Invitae), Labcorp
Classification: Likely benign. Last evaluated: 2024-02-03. Review status: criteria provided, single submitter. Criteria: Invitae Variant Classification Sherloc (09022015). Collection method: clinical testing. Allele origin: germline.

Blueprint Genetics
Classification: Likely benign. Last evaluated: 2021-10-19. Review status: criteria provided, single submitter. Criteria: ACMG Guidelines, 2015. Collection method: clinical testing. Allele origin: germline.

Natera, Inc.
Classification: Likely benign for Achromatopsia. Last evaluated: 2021-08-20. Review status: no assertion criteria provided. Collection method: clinical testing. Allele origin: germline. Not counted in ClinVar's aggregate classification.